The following is an entry in ClinVar:

ClinVar aggregate classification (germline): Uncertain significance (1 of 4 stars; one submission).

Conditions:
Inborn genetic diseases. Identifiers: MedGen C0950123, MeSH D030342.

Submission:

Ambry Genetics
Classification: Uncertain significance for Inborn genetic diseases. Last evaluated: 2025-12-15. Review status: criteria provided, single submitter. Criteria: Ambry Variant Classification Scheme 2023. Collection method: clinical testing. Allele origin: germline.
Comment: The p.A765V variant (also known as c.2294C>T), located in coding exon 25 of the RTEL1 gene, results from a C to T substitution at nucleotide position 2294. The alanine at codon 765 is replaced by valine, an amino acid with similar properties. This amino acid position is conserved. In addition, this alteration is predicted to be tolerated by in silico analysis. Based on the available evidence, the clinical significance of this variant remains unclear.

NM_001283009.2(RTEL1):c.2294C>T (p.Ala765Val)

Genes: RTEL1-TNFRSF6B (RTEL1-TNFRSF6B readthrough (NMD candidate); plus strand), RTEL1 (regulator of telomere elongation helicase 1; plus strand). Cytogenetic location: 20q13.33.
Variant type: single nucleotide variant.
Coding change: c.2294C>T on transcript NM_001283009.2 (MANE Select); coding-DNA position 2294, C replaced by T.
Protein change: p.Ala765Val; replaces alanine 765 with valine.
Molecular consequence: missense variant. On other transcripts: non-coding transcript variant (1).
Genome position (GRCh38, 1-based): chr20:63,690,322, C>T. VCF-style: chr20-63690322-C-T. GRCh37 (hg19) VCF-style: chr20-62321675-C-T.
Other names: c.1625C>T, p.Ala542Val (NM_001283010.1); c.2294C>T, p.Ala765Val (NM_016434.4); c.2366C>T, p.Ala789Val (NM_032957.5); short protein forms A765V, A789V, A542V.
Identifiers: ClinVar variation 4844064 (VCV004844064.1).